The following is an entry in ClinVar:

ClinVar aggregate classification (germline): Uncertain significance (1 of 4 stars; one submission).

Conditions:
Desbuquois dysplasia 1 (DBQD1). Also called: DESBUQUOIS DYSPLASIA 1, KIM VARIANT; MICROMELIC DWARFISM WITH VERTEBRAL AND METAPHYSEAL ABNORMALITIES AND ADVANCED CARPOTARSAL OSSIFICATION. Identifiers: Orphanet 1425, MedGen C4012146, MONDO:0009629, OMIM 251450.

Allele frequency attached by ClinVar (database versions not stated): gnomAD 0.00001; TOPMed 0.00002; ExAC 0.00005.

Submission:

Labcorp Genetics (formerly Invitae), Labcorp
Classification: Uncertain significance for Desbuquois dysplasia 1. Last evaluated: 2022-07-23. Review status: criteria provided, single submitter. Criteria: Invitae Variant Classification Sherloc (09022015). Collection method: clinical testing. Allele origin: germline.
Comment: This sequence change replaces arginine, which is basic and polar, with glutamine, which is neutral and polar, at codon 141 of the XYLT1 protein (p.Arg141Gln). This variant is present in population databases (rs761442565, gnomAD 0.01%). This variant has not been reported in the literature in individuals affected with XYLT1-related conditions. Algorithms developed to predict the effect of missense changes on protein structure and function are either unavailable or do not agree on the potential impact of this missense change (SIFT: "Deleterious"; PolyPhen-2: "Probably Damaging"; Align-GVGD: "Class C0"). In summary, the available evidence is currently insufficient to determine the role of this variant in disease. Therefore, it has been classified as a Variant of Uncertain Significance.

NM_022166.4(XYLT1):c.422G>A (p.Arg141Gln)

Genes: XYLT1 (xylosyltransferase 1; minus strand), LOC130058566 (ATAC-STARR-seq lymphoblastoid active region 10505; plus strand). Cytogenetic location: 16p12.3.
Variant type: single nucleotide variant.
Coding change: c.422G>A on transcript NM_022166.4 (MANE Select); coding-DNA position 422, G replaced by A.
Protein change: p.Arg141Gln; replaces arginine 141 with glutamine.
Molecular consequence: missense variant.
Genome position (GRCh38, 1-based): chr16:17,259,479, C>T on the plus strand (G>A on the coding strand, the complement: XYLT1 is on the minus strand). VCF-style: chr16-17259479-C-T. GRCh37 (hg19) VCF-style: chr16-17353336-C-T.
Other names: short protein forms R141Q.
Identifiers: ClinVar variation 2106529 (VCV002106529.1), dbSNP rs761442565, ClinGen allele CA7928198.